The following is an entry in ClinVar:

ClinVar aggregate classification (germline): Uncertain significance (1 of 4 stars; one submission).

Conditions:
Immunodeficiency, common variable, 4. Also called: ANTIBODY DEFICIENCY DUE TO BAFFR DEFECT. Identifiers: Orphanet 1572, Orphanet 696925, MedGen C3150739, MONDO:0013284, OMIM 613494.

gnomAD v4.1: 1 of 1,413,688 alleles (0.000071%); highest among the groups gnomAD compares: Non-Finnish European, 0.000092%; no homozygotes.

Submission:

Labcorp Genetics (formerly Invitae), Labcorp
Classification: Uncertain significance for Immunodeficiency, common variable, 4. Last evaluated: 2024-06-12. Review status: criteria provided, single submitter. Criteria: Invitae Variant Classification Sherloc (09022015). Collection method: clinical testing. Allele origin: germline.
Comment: This sequence change replaces alanine, which is neutral and non-polar, with glycine, which is neutral and non-polar, at codon 13 of the TNFRSF13C protein (p.Ala13Gly). This variant is not present in population databases (gnomAD no frequency). This variant has not been reported in the literature in individuals affected with TNFRSF13C-related conditions. Algorithms developed to predict the effect of missense changes on protein structure and function output the following: SIFT: "Not Available"; PolyPhen-2: "Benign"; Align-GVGD: "Not Available". The glycine amino acid residue is found in multiple mammalian species, which suggests that this missense change does not adversely affect protein function. In summary, the available evidence is currently insufficient to determine the role of this variant in disease. Therefore, it has been classified as a Variant of Uncertain Significance.

NM_052945.4(TNFRSF13C):c.38C>G (p.Ala13Gly)

Genes: TNFRSF13C (TNF receptor superfamily member 13C; minus strand), LOC130067574 (ATAC-STARR-seq lymphoblastoid silent region 13813; plus strand). Cytogenetic location: 22q13.2.
Variant type: single nucleotide variant.
Coding change: c.38C>G on transcript NM_052945.4 (MANE Select); coding-DNA position 38, C replaced by G.
Protein change: p.Ala13Gly; replaces alanine 13 with glycine.
Molecular consequence: missense variant.
Genome position (GRCh38, 1-based): chr22:41,926,736, G>C on the plus strand (C>G on the coding strand, the complement: TNFRSF13C is on the minus strand). VCF-style: chr22-41926736-G-C. GRCh37 (hg19) VCF-style: chr22-42322740-G-C.
Other names: short protein forms A13G.
Identifiers: ClinVar variation 3656442 (VCV003656442.2).
Genomic context (GRCh38, chr22:41,926,736, plus strand): 5'-ACGCAGTGGCGGACCAGCAGGTCGAAGCACTCGGCCGGGACGCAGGGCGTGGGGGCTGGC[G>C]CGTCCCTGCCCCGCAGGCTCCGGGGCCCTCGCCTCATGGTGCCGACGCCGCCGCACAAGC-3'
Protein context (NP_443177.1, residues 3-23): RGPRSLRGRD[Ala13Gly]PAPTPCVPAE